The following is an entry in ClinVar:

NM_006019.4(TCIRG1):c.1870C>G (p.Leu624Val)

Gene: TCIRG1 (T cell immune regulator 1, ATPase H+ transporting V0 subunit a3; plus strand). Cytogenetic location: 11q13.2.
Variant type: single nucleotide variant.
Coding change: c.1870C>G on transcript NM_006019.4 (MANE Select); coding-DNA position 1870, C replaced by G.
Protein change: p.Leu624Val; replaces leucine 624 with valine.
Molecular consequence: missense variant.
Genome position (GRCh38, 1-based): chr11:68,049,277, C>G. VCF-style: chr11-68049277-C-G. GRCh37 (hg19) VCF-style: chr11-67816744-C-G.
Other names: c.976C>G, p.Leu326Val (NM_001351059.2); c.1222C>G, p.Leu408Val (NM_006053.4); short protein forms L624V, L326V, L408V.
Identifiers: ClinVar variation 1498515 (VCV001498515.7), dbSNP rs1380629407, ClinGen allele CA381587445.
Genomic context (GRCh38, chr11:68,049,277, plus strand): 5'-CCCAGCATCCTCATCCACTTCATCAACATGTTCCTCTTCTCCCACAGCCCCAGCAACAGG[C>G]TGCTCTACCCCCGGCAGGTGGGCTGCGGCTGGTGGGGGCCGGGCTCACACGGCCTCATGG-3'
Protein context (NP_006010.2, residues 614-634): FLFSHSPSNR[Leu624Val]LYPRQEVVQA

ClinVar aggregate classification (germline): Uncertain significance (1 of 4 stars; one submission).

Allele frequency attached by ClinVar (database versions not stated): gnomAD exomes below 0.00001; TOPMed below 0.00001; gnomAD 0.00001.
gnomAD v4.1: 7 of 1,610,780 alleles (0.00043%); highest among the groups gnomAD compares: African/African-American, 0.0013%; no homozygotes.

Submission:

Labcorp Genetics (formerly Invitae), Labcorp
Classification: Uncertain significance. Last evaluated: 2025-03-16. Review status: criteria provided, single submitter. Criteria: Invitae Variant Classification Sherloc (09022015). Collection method: clinical testing. Allele origin: germline.
Comment: This sequence change replaces leucine, which is neutral and non-polar, with valine, which is neutral and non-polar, at codon 624 of the TCIRG1 protein (p.Leu624Val). This variant is present in population databases (no rsID available, gnomAD 0.0009%). This variant has not been reported in the literature in individuals affected with TCIRG1-related conditions. ClinVar contains an entry for this variant (Variation ID: 1498515). Invitae Evidence Modeling of protein sequence and biophysical properties (such as structural, functional, and spatial information, amino acid conservation, physicochemical variation, residue mobility, and thermodynamic stability) indicates that this missense variant is not expected to disrupt TCIRG1 protein function with a negative predictive value of 80%. In summary, the available evidence is currently insufficient to determine the role of this variant in disease. Therefore, it has been classified as a Variant of Uncertain Significance.